The following is an entry in ClinVar:

ClinVar aggregate classification (germline): Uncertain significance (1 of 4 stars; one submission).

Allele frequency attached by ClinVar (database versions not stated): gnomAD exomes below 0.00001; TOPMed below 0.00001.
gnomAD v4.1: 2 of 1,590,892 alleles (0.00013%); highest among the groups gnomAD compares: African/African-American, 0.0013%; no homozygotes.

Submission:

Labcorp Genetics (formerly Invitae), Labcorp
Classification: Uncertain significance. Last evaluated: 2021-02-20. Review status: criteria provided, single submitter. Criteria: Invitae Variant Classification Sherloc (09022015). Collection method: clinical testing. Allele origin: germline.
Comment: This sequence change replaces arginine with tryptophan at codon 667 of the AP3D1 protein (p.Arg667Trp). The arginine residue is highly conserved and there is a moderate physicochemical difference between arginine and tryptophan. This variant is not present in population databases (ExAC no frequency). This variant has not been reported in the literature in individuals with AP3D1-related conditions. Algorithms developed to predict the effect of missense changes on protein structure and function are either unavailable or do not agree on the potential impact of this missense change (SIFT: "Deleterious"; PolyPhen-2: "Probably Damaging"; Align-GVGD: "Class C15"). In summary, the available evidence is currently insufficient to determine the role of this variant in disease. Therefore, it has been classified as a Variant of Uncertain Significance.

NM_001261826.3(AP3D1):c.1999C>T (p.Arg667Trp)

Gene: AP3D1 (adaptor related protein complex 3 subunit delta 1; minus strand). Cytogenetic location: 19p13.3.
Variant type: single nucleotide variant.
Coding change: c.1999C>T on transcript NM_001261826.3 (MANE Select); coding-DNA position 1999, C replaced by T.
Protein change: p.Arg667Trp; replaces arginine 667 with tryptophan.
Molecular consequence: missense variant.
Genome position (GRCh38, 1-based): chr19:2,116,607, G>A on the plus strand (C>T on the coding strand, the complement: AP3D1 is on the minus strand). VCF-style: chr19-2116607-G-A. GRCh37 (hg19) VCF-style: chr19-2116606-G-A.
Other names: c.1999C>T, p.Arg667Trp (NM_001374799.1, NM_003938.8); short protein forms R667W.
Identifiers: ClinVar variation 1374526 (VCV001374526.8), dbSNP rs2018456795, ClinGen allele CA403216194.